The following is an entry in ClinVar:

ClinVar aggregate classification (germline): Uncertain significance. Review status: criteria provided, multiple submitters, no conflicts (2 of 4 stars). 8 submissions from 8 submitters: Uncertain significance (7). 1 of the submissions does not count toward it. Last evaluated 2025-10-01.

Conditions:
Tumor predisposition syndrome 3 (TPDS3). Also called: Melanoma, cutaneous malignant, susceptibility to, 10; Glioma susceptibility 9; LONG TELOMERE SYNDROME, POT1-RELATED; POT1 Tumor Predisposition. Identifiers: Orphanet 618, MedGen C4014476, MONDO:0014368, OMIM 615848.
Hereditary cancer-predisposing syndrome. Also called: Tumor predisposition; Hereditary neoplastic syndrome; Hereditary Cancer Syndrome; Neoplastic Syndromes, Hereditary. Identifiers: Orphanet 140162, MedGen C0027672, MeSH D009386, MONDO:0015356.
POT1-related disorder. Also called: POT1-related condition.
Cerebroretinal microangiopathy with calcifications and cysts 3 (CRMCC3). Identifiers: MedGen C5830497, MONDO:0957264, OMIM 620368.
Pulmonary fibrosis and/or bone marrow failure syndrome, telomere-related, 8 (PFBMFT8). Identifiers: MedGen C5830496, MONDO:0957263, OMIM 620367.

Allele frequency attached by ClinVar (database versions not stated): gnomAD 0.00001; ExAC 0.00004.
gnomAD v4.1: 35 of 1,594,682 alleles (0.0022%); highest among the groups gnomAD compares: Middle Eastern, 0.019%; no homozygotes.

Submissions (8):

Quest Diagnostics Nichols Institute San Juan Capistrano
Classification: Uncertain significance. Last evaluated: 2025-10-01. Review status: criteria provided, single submitter. Criteria: Quest Diagnostics criteria. Collection method: clinical testing. Allele origin: unknown.
Comment: The POT1 c.1363A>G (p.Ile455Val) variant has been reported in the published literature in individuals with melanoma (PMID: 24686846 (2014), 36876055 (2023), 37766469 (2024)), and B-cell lymphoma (PMID: 34193977 (2021)). The frequency of this variant in the general population (Genome Aggregation Database) is uninformative in the assessment of its pathogenicity. Analysis of this variant using bioinformatics tools for the prediction of the effect of amino acid changes on protein structure and function yielded conflicting predictions that this variant is benign or damaging. Based on the available information, we are unable to determine the clinical significance of this variant.

Labcorp Genetics (formerly Invitae), Labcorp
Classification: Uncertain significance for Tumor predisposition syndrome 3. Last evaluated: 2025-09-27. Review status: criteria provided, single submitter. Criteria: Invitae Variant Classification Sherloc (09022015). Collection method: clinical testing. Allele origin: germline.
Comment: This sequence change replaces isoleucine, which is neutral and non-polar, with valine, which is neutral and non-polar, at codon 455 of the POT1 protein (p.Ile455Val). This variant is present in population databases (rs776965979, gnomAD 0.007%). This missense change has been observed in individual(s) with melanoma (PMID: 24686846, 36876055). ClinVar contains an entry for this variant (Variation ID: 475039). Invitae Evidence Modeling of protein sequence and biophysical properties (such as structural, functional, and spatial information, amino acid conservation, physicochemical variation, residue mobility, and thermodynamic stability) indicates that this missense variant is not expected to disrupt POT1 protein function with a negative predictive value of 80%. In summary, the available evidence is currently insufficient to determine the role of this variant in disease. Therefore, it has been classified as a Variant of Uncertain Significance.

Ambry Genetics
Classification: Uncertain significance for Hereditary cancer-predisposing syndrome. Last evaluated: 2025-06-25. Review status: criteria provided, single submitter. Criteria: Ambry Variant Classification Scheme 2023. Collection method: clinical testing. Allele origin: germline.
Comment: The p.I455V variant (also known as c.1363A>G), located in coding exon 10 of the POT1 gene, results from an A to G substitution at nucleotide position 1363. The isoleucine at codon 455 is replaced by valine, an amino acid with highly similar properties. This alteration has been identified in multiple cases of familial melanoma (Shi J et al. Nat Genet, 2014 May;46:482-6; Goldstein AM et al. JAAD Int, 2023 Jun;11:43-51). This amino acid position is well conserved in available vertebrate species. In addition, this alteration is predicted to be tolerated by in silico analysis. Since supporting evidence is limited at this time, the clinical significance of this alteration remains unclear.

GeneDx
Classification: Uncertain significance. Last evaluated: 2025-05-29. Review status: criteria provided, single submitter. Criteria: GeneDx Variant Classification Process June 2021. Collection method: clinical testing. Allele origin: germline.
Comment: In silico analysis suggests that this missense variant does not alter protein structure/function; Observed in individuals with familial cutaneous malignant melanoma in the published literature (PMID: 24686846); This variant is associated with the following publications: (PMID: 28393830, 36876055, 24686846)

Department of Pathology and Laboratory Medicine, Sinai Health System
Classification: Uncertain significance for Tumor predisposition syndrome 3; Pulmonary fibrosis and/or bone marrow failure syndrome, telomere-related, 8; Cerebroretinal microangiopathy with calcifications and cysts 3. Last evaluated: 2025-01-02. Review status: criteria provided, single submitter. Criteria: ACMG Guidelines, 2015. Collection method: clinical testing. Allele origin: germline.

Fulgent Genetics
Classification: Uncertain significance for Tumor predisposition syndrome 3; Pulmonary fibrosis and/or bone marrow failure syndrome, telomere-related, 8; Cerebroretinal microangiopathy with calcifications and cysts 3. Last evaluated: 2024-05-14. Review status: criteria provided, single submitter. Criteria: ACMG Guidelines, 2015. Collection method: clinical testing. Allele origin: germline.

Blueprint Genetics
Classification: Uncertain significance. Last evaluated: 2024-02-21. Review status: criteria provided, single submitter. Criteria: ACMG Guidelines, 2015. Collection method: clinical testing. Allele origin: germline.

PreventionGenetics, part of Exact Sciences
Classification: Uncertain significance for POT1-related condition. Last evaluated: 2024-07-16. Review status: no assertion criteria provided. Collection method: clinical testing. Allele origin: germline. Not counted in ClinVar's aggregate classification.
Comment: The POT1 c.1363A>G variant is predicted to result in the amino acid substitution p.Ile455Val. This variant has been reported in individuals with familial melanoma (Supplementary Table 4, Shi et al. 2014. PubMed ID: 24686846; Goldstein et al. 2023. PubMed ID: 36876055). This variant is reported in 0.0070% of alleles in individuals of European (non-Finnish) descent in gnomAD. This variant has been reported as a variant of uncertain significance in ClinVar. At this time, the clinical significance of this variant is uncertain due to the absence of conclusive functional and genetic evidence.

Literature cited by the submitters: PubMed 36876055 (cited by 4 submitters); PubMed 24686846 (cited by 4 submitters); PubMed 34193977 (cited by Quest Diagnostics Nichols Institute San Juan Capistrano); PubMed 37766469 (cited by Quest Diagnostics Nichols Institute San Juan Capistrano).

NM_015450.3(POT1):c.1363A>G (p.Ile455Val)

Gene: POT1 (protection of telomeres 1; minus strand). Cytogenetic location: 7q31.33.
Variant type: single nucleotide variant.
Coding change: c.1363A>G on transcript NM_015450.3 (MANE Select); coding-DNA position 1363, A replaced by G.
Protein change: p.Ile455Val; replaces isoleucine 455 with valine.
Molecular consequence: missense variant. On other transcripts: non-coding transcript variant (3).
Genome position (GRCh38, 1-based): chr7:124,840,979, T>C on the plus strand (A>G on the coding strand, the complement: POT1 is on the minus strand). VCF-style: chr7-124840979-T-C. GRCh37 (hg19) VCF-style: chr7-124481033-T-C.
Other names: c.970A>G, p.Ile324Val (NM_001042594.2); short protein forms I455V, I324V.
Identifiers: ClinVar variation 475039 (VCV000475039.22), dbSNP rs776965979, ClinGen allele CA4465159.